The following is an entry in ClinVar:

ClinVar aggregate classification (germline): Uncertain significance (1 of 4 stars; one submission).

Conditions:
Epilepsy, familial focal, with variable foci 3 (FFEVF3). Identifiers: MedGen C4310708, MONDO:0014925, OMIM 617118.

Submission:

Labcorp Genetics (formerly Invitae), Labcorp
Classification: Uncertain significance for Epilepsy, familial focal, with variable foci 3. Last evaluated: 2024-06-11. Review status: criteria provided, single submitter. Criteria: Invitae Variant Classification Sherloc (09022015). Collection method: clinical testing. Allele origin: germline.
Comment: This sequence change replaces leucine, which is neutral and non-polar, with proline, which is neutral and non-polar, at codon 219 of the NPRL3 protein (p.Leu219Pro). This variant is not present in population databases (gnomAD no frequency). This variant has not been reported in the literature in individuals affected with NPRL3-related conditions. Advanced modeling of protein sequence and biophysical properties (such as structural, functional, and spatial information, amino acid conservation, physicochemical variation, residue mobility, and thermodynamic stability) performed at Invitae indicates that this missense variant is expected to disrupt NPRL3 protein function with a positive predictive value of 80%. In summary, the available evidence is currently insufficient to determine the role of this variant in disease. Therefore, it has been classified as a Variant of Uncertain Significance.

NM_001077350.3(NPRL3):c.656T>C (p.Leu219Pro)

Genes: HBA-LCR (alpha-globin locus control region; plus strand), NPRL3 (NPR3 like, GATOR1 complex subunit; minus strand). Cytogenetic location: 16p13.3.
Variant type: single nucleotide variant.
Coding change: c.656T>C on transcript NM_001077350.3 (MANE Select); coding-DNA position 656, T replaced by C.
Protein change: p.Leu219Pro; replaces leucine 219 with proline.
Molecular consequence: missense variant.
Genome position (GRCh38, 1-based): chr16:100,483, A>G on the plus strand (T>C on the coding strand, the complement: NPRL3 is on the minus strand). VCF-style: chr16-100483-A-G. GRCh37 (hg19) VCF-style: chr16-150481-A-G.
Other names: c.119T>C, p.Leu40Pro (NM_001039476.3); c.422T>C, p.Leu141Pro (NM_001243247.2); c.581T>C, p.Leu194Pro (NM_001243248.2, NM_001243249.2); short protein forms L194P, L141P, L219P, L40P.
Identifiers: ClinVar variation 3678082 (VCV003678082.2).
Genomic context (GRCh38, chr16:100,483, plus strand): 5'-GCCGCATAGTGGATCTTGTGGGGCAGGCAGAAGCTCACCTCCAGCCAGCTGTTGATGTGA[A>G]GCCGAACTACGCCCGACGTGCACAGGCTGCAGAGAGTGGGCGCTGTTACCCGTTCACATA-3'
Protein context (NP_001070818.1, residues 209-229): DSLCTSGVVR[Leu219Pro]HINSWLEVSF